The following is an entry in ClinVar:

NM_001130438.3(SPTAN1):c.7032G>A (p.Lys2344=)

Gene: SPTAN1 (spectrin alpha, non-erythrocytic 1; plus strand). Cytogenetic location: 9q34.11.
Variant type: single nucleotide variant.
Coding change: c.7032G>A on transcript NM_001130438.3 (MANE Select); coding-DNA position 7032, G replaced by A.
Protein change: p.Lys2344=; no amino-acid change (lysine 2344 retained).
Molecular consequence: synonymous variant.
Genome position (GRCh38, 1-based): chr9:128,632,590, G>A. VCF-style: chr9-128632590-G-A. GRCh37 (hg19) VCF-style: chr9-131394869-G-A.
Other names: c.6957G>A, p.Lys2319= (NM_001195532.2); c.7095G>A, p.Lys2365= (NM_001363759.2); c.6972G>A, p.Lys2324= (NM_001363765.2, NM_001375314.2); c.7119G>A, p.Lys2373= (NM_001375310.1); c.7032G>A, p.Lys2344= (NM_001375311.2); c.7068G>A, p.Lys2356= (NM_001375312.2); c.7014G>A, p.Lys2338= (NM_001375313.1); c.7131G>A, p.Lys2377= (NM_001375318.1); and 1 more.
Identifiers: ClinVar variation 3359607 (VCV003359607.1).

ClinVar aggregate classification (germline): Uncertain significance (1 of 4 stars; one submission).

Submission:

GeneDx
Classification: Uncertain significance. Last evaluated: 2023-06-09. Review status: criteria provided, single submitter. Criteria: GeneDx Variant Classification Process June 2021. Collection method: clinical testing. Allele origin: germline. Affected: yes.
Comment: Not observed at significant frequency in large population cohorts (gnomAD); In silico analysis supports a deleterious effect on splicing; Has not been previously published as pathogenic or benign to our knowledge